The following is an entry in ClinVar:

ClinVar aggregate classification (germline): Uncertain significance (1 of 4 stars; one submission).

Allele frequency attached by ClinVar (database versions not stated): gnomAD exomes below 0.00001; ExAC 0.00001; TOPMed 0.00001.
gnomAD v4.1: 2 of 1,614,116 alleles (0.00012%); highest among the groups gnomAD compares: Non-Finnish European, 0.00017%; no homozygotes.

Submission:

Labcorp Genetics (formerly Invitae), Labcorp
Classification: Uncertain significance. Last evaluated: 2022-03-11. Review status: criteria provided, single submitter. Criteria: Invitae Variant Classification Sherloc (09022015). Collection method: clinical testing. Allele origin: germline.
Comment: This sequence change replaces leucine, which is neutral and non-polar, with valine, which is neutral and non-polar, at codon 87 of the CD40 protein (p.Leu87Val). This variant is present in population databases (rs768637864, gnomAD 0.0009%). This variant has not been reported in the literature in individuals affected with CD40-related conditions. Algorithms developed to predict the effect of missense changes on protein structure and function output the following: SIFT: "Tolerated"; PolyPhen-2: "Benign"; Align-GVGD: "Class C0". The valine amino acid residue is found in multiple mammalian species, which suggests that this missense change does not adversely affect protein function. In summary, the available evidence is currently insufficient to determine the role of this variant in disease. Therefore, it has been classified as a Variant of Uncertain Significance.

NM_001250.6(CD40):c.259C>G (p.Leu87Val)

Gene: CD40 (CD40 molecule; plus strand). Cytogenetic location: 20q13.12.
Variant type: single nucleotide variant.
Coding change: c.259C>G on transcript NM_001250.6 (MANE Select); coding-DNA position 259, C replaced by G.
Protein change: p.Leu87Val; replaces leucine 87 with valine.
Molecular consequence: missense variant. On other transcripts: non-coding transcript variant (2).
Genome position (GRCh38, 1-based): chr20:46,122,612, C>G. VCF-style: chr20-46122612-C-G. GRCh37 (hg19) VCF-style: chr20-44751251-C-G.
Other names: c.259C>G, p.Leu87Val (NM_001302753.2, NM_001322421.2, NM_001322422.2 and 2 more transcripts); short protein forms L87V.
Identifiers: ClinVar variation 1935715 (VCV001935715.2), dbSNP rs768637864, ClinGen allele CA9888426.